The following is an entry in ClinVar:

ClinVar aggregate classification (germline): Pathogenic (1 of 4 stars; one submission).

Conditions:
Wiedemann-Steiner syndrome (WDSTS). Also called: Growth deficiency and mental retardation with facial dysmorphism. Identifiers: Orphanet 319182, MedGen C1854630, MONDO:0011518, OMIM 605130.

Submission:

Greenwood Genetic Center Diagnostic Laboratories, Greenwood Genetic Center
Classification: Pathogenic for Wiedemann-Steiner syndrome. Last evaluated: 2021-06-04. Review status: criteria provided, single submitter. Criteria: ACMG Guidelines, 2015. Collection method: clinical testing. Allele origin: germline. Affected: yes.
Comment: PVS1, PS2, PM2

NM_001197104.2(KMT2A):c.1274del (p.Pro425fs)

Gene: KMT2A (lysine methyltransferase 2A; plus strand). Cytogenetic location: 11q23.3.
Variant type: Deletion.
Coding change: c.1274del on transcript NM_001197104.2 (MANE Select); coding-DNA position 1274, one base deleted (C; older notation c.1274delC).
Protein change: p.Pro425fs; shifts the reading frame from proline 425.
Molecular consequence: frameshift variant.
Genome position (GRCh38, 1-based): chr11:118,472,433, C deleted; the last of 4 consecutive C bases (chr11:118,472,430-118,472,433); deleting any one gives the same sequence. VCF-style (leftmost placement, unchanged base first): chr11-118472429-AC-A. GRCh37 (hg19) VCF-style: chr11-118343144-AC-A.
Other names: c.1274del, p.Pro425fs (NM_005933.4); short protein forms P425fs.
Identifiers: ClinVar variation 1334474 (VCV001334474.4), dbSNP rs2134260983, ClinGen allele CA2573053435.